The following is an entry in ClinVar:

NM_139318.5(KCNH5):c.2618T>C (p.Leu873Pro)

Gene: KCNH5 (potassium voltage-gated channel subfamily H member 5; minus strand). Cytogenetic location: 14q23.2.
Variant type: single nucleotide variant.
Coding change: c.2618T>C on transcript NM_139318.5 (MANE Select); coding-DNA position 2618, T replaced by C.
Protein change: p.Leu873Pro; replaces leucine 873 with proline.
Molecular consequence: missense variant. On other transcripts: 3 prime UTR variant (1).
Genome position (GRCh38, 1-based): chr14:62,707,857, A>G on the plus strand (T>C on the coding strand, the complement: KCNH5 is on the minus strand). VCF-style: chr14-62707857-A-G. GRCh37 (hg19) VCF-style: chr14-63174575-A-G.
Other names: c.*585T>C (NM_172375.3); c.2618T>C (NM_139318.3); short protein forms L873P.
Identifiers: ClinVar variation 2805982 (VCV002805982.4), dbSNP rs1490826447, ClinGen allele CA390100199.
Genomic context (GRCh38, chr14:62,707,857, plus strand): 5'-TCAGCCTGGATGGGACTGTGCTCTAGCGGACTTCGGGCCTCCCCAGCCTTATCCAAACGA[A>G]GGTCACTTTTTGTAATTCCACTGTCACAAGAATCTGTTTTTCTTAGTGGGTTTTTGGTCA-3'
Protein context (NP_647479.2, residues 863-883): SCDSGITKSD[Leu873Pro]RLDKAGEARS

ClinVar aggregate classification (germline): Uncertain significance. Review status: criteria provided, multiple submitters, no conflicts (2 of 4 stars). 2 submissions from 2 submitters: Uncertain significance (2). Last evaluated 2025-04-10.

Conditions:
Early-infantile DEE. Also called: Early infantile epileptic encephalopathy; Early infantile epileptic encephalopathy with suppression bursts; Ohtahara syndrome. Identifiers: Orphanet 1934, MedGen C0393706, MONDO:0800491.
Inborn genetic diseases. Identifiers: MedGen C0950123, MeSH D030342.

Allele frequency attached by ClinVar (database versions not stated): gnomAD exomes below 0.00001; gnomAD 0.00001.
gnomAD v4.1: 3 of 1,614,004 alleles (0.00019%); highest among the groups gnomAD compares: Non-Finnish European, 0.00025%; no homozygotes.

Submissions (2):

Ambry Genetics
Classification: Uncertain significance for Inborn genetic diseases. Last evaluated: 2025-04-10. Review status: criteria provided, single submitter. Criteria: Ambry Variant Classification Scheme 2023. Collection method: clinical testing. Allele origin: germline.

Labcorp Genetics (formerly Invitae), Labcorp
Classification: Uncertain significance for Early-infantile DEE. Last evaluated: 2024-10-24. Review status: criteria provided, single submitter. Criteria: Invitae Variant Classification Sherloc (09022015). Collection method: clinical testing. Allele origin: germline.
Comment: This sequence change replaces leucine, which is neutral and non-polar, with proline, which is neutral and non-polar, at codon 873 of the KCNH5 protein (p.Leu873Pro). This variant is present in population databases (no rsID available, gnomAD 0.007%). This variant has not been reported in the literature in individuals affected with KCNH5-related conditions. Invitae Evidence Modeling of protein sequence and biophysical properties (such as structural, functional, and spatial information, amino acid conservation, physicochemical variation, residue mobility, and thermodynamic stability) indicates that this missense variant is not expected to disrupt KCNH5 protein function with a negative predictive value of 95%. In summary, the available evidence is currently insufficient to determine the role of this variant in disease. Therefore, it has been classified as a Variant of Uncertain Significance.